The following is an entry in ClinVar:

ClinVar aggregate classification (germline): Uncertain significance (1 of 4 stars; one submission).

Allele frequency attached by ClinVar (database versions not stated): gnomAD exomes below 0.00001.
gnomAD v4.1: 3 of 1,208,686 alleles (0.00025%); highest among the groups gnomAD compares: Non-Finnish European, 0.00034%; no homozygotes.

Submission:

GeneDx
Classification: Uncertain significance. Last evaluated: 2025-12-14. Review status: criteria provided, single submitter. Criteria: GeneDx Variant Classification Process June 2021. Collection method: clinical testing. Allele origin: germline. Affected: yes.
Comment: In silico analysis supports that this missense variant has a deleterious effect on protein structure/function; Not observed at significant frequency in large population cohorts (gnomAD); Has not been previously published as pathogenic or benign to our knowledge

NM_012310.5(KIF4A):c.2924A>G (p.Glu975Gly)

Gene: KIF4A (kinesin family member 4A; plus strand). Cytogenetic location: Xq13.1.
Variant type: single nucleotide variant.
Coding change: c.2924A>G on transcript NM_012310.5 (MANE Select); coding-DNA position 2924, A replaced by G.
Protein change: p.Glu975Gly; replaces glutamic acid 975 with glycine.
Molecular consequence: missense variant.
Genome position (GRCh38, 1-based): chrX:70,405,853, A>G. VCF-style: chrX-70405853-A-G. GRCh37 (hg19) VCF-style: chrX-69625703-A-G.
Other names: short protein forms E975G.
Identifiers: ClinVar variation 1311792 (VCV001311792.3), dbSNP rs759945460, ClinGen allele CA330967639.
Genomic context (GRCh38, chrX:70,405,853, plus strand): 5'-ATAACCCCATATATCACTGCACTATCTGGAAATAGGATGAAGAACTTGAGAAAATGCGAG[A>G]AGTGTGTGAGCAAAATCAGCAGCTTCTCCGAGAGAATGAAATCATCAAGCAGGTAATACA-3'
Protein context (NP_036442.3, residues 965-985): CQDEELEKMR[Glu975Gly]VCEQNQQLLR